The following is an entry in ClinVar:

ClinVar aggregate classification (germline): Uncertain significance (1 of 4 stars; one submission).

Allele frequency attached by ClinVar (database versions not stated): gnomAD exomes below 0.00001; ExAC 0.00002.
gnomAD v4.1: 1 of 1,614,098 alleles (0.000062%); highest among the groups gnomAD compares: East Asian, 0.0022%; no homozygotes.

Submission:

Labcorp Genetics (formerly Invitae), Labcorp
Classification: Uncertain significance. Last evaluated: 2023-06-15. Review status: criteria provided, single submitter. Criteria: Invitae Variant Classification Sherloc (09022015). Collection method: clinical testing. Allele origin: germline.
Comment: This sequence change replaces methionine, which is neutral and non-polar, with isoleucine, which is neutral and non-polar, at codon 373 of the VCAN protein (p.Met373Ile). This variant is present in population databases (rs749460528, gnomAD 0.006%). This variant has not been reported in the literature in individuals affected with VCAN-related conditions. Algorithms developed to predict the effect of missense changes on protein structure and function output the following: SIFT: "Not Available"; PolyPhen-2: "Benign"; Align-GVGD: "Not Available". The isoleucine amino acid residue is found in multiple mammalian species, which suggests that this missense change does not adversely affect protein function. In summary, the available evidence is currently insufficient to determine the role of this variant in disease. Therefore, it has been classified as a Variant of Uncertain Significance.

NM_004385.5(VCAN):c.1119G>A (p.Met373Ile)

Gene: VCAN (versican; plus strand). Cytogenetic location: 5q14.3.
Variant type: single nucleotide variant.
Coding change: c.1119G>A on transcript NM_004385.5 (MANE Select); coding-DNA position 1119, G replaced by A.
Protein change: p.Met373Ile; replaces methionine 373 with isoleucine.
Molecular consequence: missense variant. On other transcripts: intron variant (2).
Genome position (GRCh38, 1-based): chr5:83,519,425, G>A. VCF-style: chr5-83519425-G-A. GRCh37 (hg19) VCF-style: chr5-82815244-G-A.
Other names: c.1119G>A, p.Met373Ile (NM_001164098.2); c.1042+7029G>A (NM_001164097.2, NM_001126336.3); short protein forms M373I.
Identifiers: ClinVar variation 2715456 (VCV002715456.3), dbSNP rs749460528, ClinGen allele CA3332615.